The following is an entry in ClinVar:

ClinVar aggregate classification (germline): Likely pathogenic. Review status: criteria provided, single submitter (1 of 4 stars). 2 submissions from 2 submitters: Likely pathogenic (1). 1 of the submissions does not count toward it. Last evaluated 2016-12-06.

Conditions:
Late-infantile neuronal ceroid lipofuscinosis. Also called: Jansky-Bielschowsky disease. Identifiers: MedGen C0022340, MONDO:0015674.

Submissions (2):

GeneDx
Classification: Likely pathogenic. Last evaluated: 2016-12-06. Review status: criteria provided, single submitter. Criteria: GeneDx Variant Classification (06012015). Collection method: clinical testing. Allele origin: germline. Affected: yes.
Comment: The c.1351-2A>G variant in the MFSD8 gene has not been reported previously as a pathogenic variant, nor as a benign variant, to our knowledge. This splice site variant destroys the canonical splice acceptor site in intron 12. It is predicted to cause abnormal gene splicing, either leading to an abnormal message that is subject to nonsense-mediated mRNA decay, or to an abnormal protein product if the message is used for protein translation. The c.1351-2A>G variant was not observed in approximately 6,500 individuals of European and African American ancestry in the NHLBI Exome Sequencing Project, indicating it is not a common benign variant in these populations. Based on currently available evidence, c.1351-2A>G is a strong candidate for a pathogenic variant.

Natera, Inc.
Classification: Likely pathogenic for Late-infantile neuronal ceroid lipofuscinosis. Last evaluated: 2021-04-06. Review status: no assertion criteria provided. Collection method: clinical testing. Allele origin: germline. Not counted in ClinVar's aggregate classification.

NM_001371596.2(MFSD8):c.1351-2A>G

Gene: MFSD8 (major facilitator superfamily domain containing 8; minus strand). Cytogenetic location: 4q28.2.
Variant type: single nucleotide variant.
Coding change: c.1351-2A>G on transcript NM_001371596.2 (MANE Select); the canonical splice acceptor site of the intron before coding-DNA position 1351, A replaced by G.
Molecular consequence: splice acceptor variant. On other transcripts: 3 prime UTR variant (1).
Genome position (GRCh38, 1-based): chr4:127,920,838, T>C on the plus strand (A>G on the coding strand, the complement: MFSD8 is on the minus strand). VCF-style: chr4-127920838-T-C. GRCh37 (hg19) VCF-style: chr4-128841993-T-C.
Other names: c.*921A>G (NM_001410766.1); c.1069-2A>G (NM_001371595.1); c.901-2A>G (NM_001410765.1); c.1216-2A>G (NM_001371590.2); c.1351-2A>G (NM_152778.4); c.1036-2A>G (NM_001363521.3); c.1237-2A>G (NM_001371593.2); c.1150-2A>G (NM_001363520.3); and 3 more.
Identifiers: ClinVar variation 373384 (VCV000373384.4), dbSNP rs1057518388, ClinGen allele CA16042547.